The following is an entry in ClinVar:

ClinVar aggregate classification (germline): Uncertain significance. Review status: criteria provided, multiple submitters, no conflicts (2 of 4 stars). 2 submissions from 2 submitters: Uncertain significance (2). Last evaluated 2023-11-06.

Allele frequency attached by ClinVar (database versions not stated): gnomAD exomes below 0.00001; TOPMed below 0.00001; gnomAD 0.00001.

Submissions (2):

Labcorp Genetics (formerly Invitae), Labcorp
Classification: Uncertain significance. Last evaluated: 2023-11-06. Review status: criteria provided, single submitter. Criteria: Invitae Variant Classification Sherloc (09022015). Collection method: clinical testing. Allele origin: germline.
Comment: This sequence change replaces arginine, which is basic and polar, with threonine, which is neutral and polar, at codon 896 of the TCF20 protein (p.Arg896Thr). This variant is not present in population databases (gnomAD no frequency). This variant has not been reported in the literature in individuals affected with TCF20-related conditions. ClinVar contains an entry for this variant (Variation ID: 2504953). An algorithm developed to predict the effect of missense changes on protein structure and function (PolyPhen-2) suggests that this variant is likely to be disruptive. In summary, the available evidence is currently insufficient to determine the role of this variant in disease. Therefore, it has been classified as a Variant of Uncertain Significance.

GeneDx
Classification: Uncertain significance. Last evaluated: 2022-12-09. Review status: criteria provided, single submitter. Criteria: GeneDx Variant Classification Process June 2021. Collection method: clinical testing. Allele origin: germline. Affected: yes.
Comment: Has not been previously published as pathogenic or benign to our knowledge; Not observed at significant frequency in large population cohorts (gnomAD); In silico analysis supports that this missense variant does not alter protein structure/function

NM_001378418.1(TCF20):c.2687G>C (p.Arg896Thr)

Gene: TCF20 (transcription factor 20; minus strand). Cytogenetic location: 22q13.2.
Variant type: single nucleotide variant.
Coding change: c.2687G>C on transcript NM_001378418.1 (MANE Select); coding-DNA position 2687, G replaced by C.
Protein change: p.Arg896Thr; replaces arginine 896 with threonine.
Molecular consequence: missense variant.
Genome position (GRCh38, 1-based): chr22:42,212,619, C>G on the plus strand (G>C on the coding strand, the complement: TCF20 is on the minus strand). VCF-style: chr22-42212619-C-G. GRCh37 (hg19) VCF-style: chr22-42608625-C-G.
Other names: c.2687G>C, p.Arg896Thr (NM_005650.4, NM_181492.3); short protein forms R896T.
Identifiers: ClinVar variation 2504953 (VCV002504953.4), dbSNP rs1921106705, ClinGen allele CA411788111.